The following is an entry in ClinVar:

NM_002382.5(MAX):c.193G>C (p.Asp65His)

Gene: MAX (MYC associated transcriptional regulator X; minus strand). Cytogenetic location: 14q23.3.
Variant type: single nucleotide variant.
Coding change: c.193G>C on transcript NM_002382.5 (MANE Select); coding-DNA position 193, G replaced by C.
Protein change: p.Asp65His; replaces aspartic acid 65 with histidine.
Molecular consequence: missense variant. On other transcripts: 5 prime UTR variant (6), non-coding transcript variant (7), intron variant (2).
Genome position (GRCh38, 1-based): chr14:65,078,015, C>G on the plus strand (G>C on the coding strand, the complement: MAX is on the minus strand). VCF-style: chr14-65078015-C-G. GRCh37 (hg19) VCF-style: chr14-65544733-C-G.
Other names: c.-82G>C (NM_001320415.2, NM_001407105.1, NM_001407106.1 and 1 more transcripts); c.193G>C, p.Asp65His (NM_001407094.1, NM_001407096.1, NM_001407097.1 and 3 more transcripts); c.166G>C, p.Asp56His (NM_001407095.1, NM_001407109.1, NM_001407110.1 and 6 more transcripts); c.-175G>C (NM_001407111.1, NM_001407112.1); c.85G>C, p.Asp29His (NM_001407098.1); c.144+15693G>C (NM_001271069.2); c.171+15693G>C (NM_197957.4); short protein forms D29H, D56H, D65H.
Identifiers: ClinVar variation 5023939 (VCV005023939.1).

ClinVar aggregate classification (germline): Uncertain significance (1 of 4 stars; one submission).

Conditions:
Hereditary cancer-predisposing syndrome. Also called: Neoplastic Syndromes, Hereditary; Tumor predisposition; Hereditary neoplastic syndrome; Hereditary Cancer Syndrome. Identifiers: Orphanet 140162, MedGen C0027672, MeSH D009386, MONDO:0015356.

Submission:

Ambry Genetics
Classification: Uncertain significance for Hereditary cancer-predisposing syndrome. Last evaluated: 2026-07-07. Review status: criteria provided, single submitter. Criteria: Ambry Variant Classification Scheme 2023. Collection method: clinical testing. Allele origin: germline.
Comment: The p.D65H variant (also known as c.193G>C), located in coding exon 4 of the MAX gene, results from a G to C substitution at nucleotide position 193. The aspartic acid at codon 65 is replaced by histidine, an amino acid with similar properties. This amino acid position is conserved. In addition, this alteration is predicted to be deleterious by in silico analysis. Based on the available evidence, the clinical significance of this variant remains unclear.